The following is an entry in ClinVar:

ClinVar aggregate classification (germline): Uncertain significance. Review status: criteria provided, multiple submitters, no conflicts (2 of 4 stars). 2 submissions from 2 submitters: Uncertain significance (2). Last evaluated 2024-06-17.

Conditions:
Idiopathic generalized epilepsy. Also called: EIG; Generalised epilepsy. Identifiers: MedGen C0270850, MONDO:0005579, OMIM 600669.
Hyperaldosteronism, familial, type IV (HALD4). Also called: FH IV; ALDOSTERONISM, PRIMARY, AND HYPERTENSION. Identifiers: Orphanet 642671, MedGen C4310756, MONDO:0014875, OMIM 617027.
Epilepsy, childhood absence, susceptibility to, 6. Identifiers: Orphanet 64280, MedGen C2749872, MONDO:0012763, OMIM 611942.

Allele frequency attached by ClinVar (database versions not stated): gnomAD 0.00001; TOPMed 0.00001; ExAC 0.00003; gnomAD exomes 0.00003; ESP Exome Variant Server 0.00008.
gnomAD v4.1: 48 of 1,605,074 alleles (0.003%); highest among the groups gnomAD compares: Non-Finnish European, 0.0039%; no homozygotes.

Submissions (2):

Fulgent Genetics
Classification: Uncertain significance for Epilepsy, childhood absence, susceptibility to, 6; Hyperaldosteronism, familial, type IV. Last evaluated: 2024-06-17. Review status: criteria provided, single submitter. Criteria: ACMG Guidelines, 2015. Collection method: clinical testing. Allele origin: germline.

Labcorp Genetics (formerly Invitae), Labcorp
Classification: Uncertain significance for Idiopathic generalized epilepsy; Hyperaldosteronism, familial, type IV. Last evaluated: 2024-04-29. Review status: criteria provided, single submitter. Criteria: Invitae Variant Classification Sherloc (09022015). Collection method: clinical testing. Allele origin: germline.
Comment: This sequence change replaces valine, which is neutral and non-polar, with methionine, which is neutral and non-polar, at codon 1381 of the CACNA1H protein (p.Val1381Met). The frequency data for this variant in the population databases is considered unreliable, as metrics indicate poor data quality at this position in the gnomAD database. This variant has not been reported in the literature in individuals affected with CACNA1H-related conditions. ClinVar contains an entry for this variant (Variation ID: 2162827). Advanced modeling of protein sequence and biophysical properties (such as structural, functional, and spatial information, amino acid conservation, physicochemical variation, residue mobility, and thermodynamic stability) performed at Invitae indicates that this missense variant is not expected to disrupt CACNA1H protein function with a negative predictive value of 80%. In summary, the available evidence is currently insufficient to determine the role of this variant in disease. Therefore, it has been classified as a Variant of Uncertain Significance.

NM_021098.3(CACNA1H):c.4141G>A (p.Val1381Met)

Gene: CACNA1H (calcium voltage-gated channel subunit alpha1 H; plus strand). Cytogenetic location: 16p13.3.
Variant type: single nucleotide variant.
Coding change: c.4141G>A on transcript NM_021098.3 (MANE Select); coding-DNA position 4141, G replaced by A.
Protein change: p.Val1381Met; replaces valine 1381 with methionine.
Molecular consequence: missense variant.
Genome position (GRCh38, 1-based): chr16:1,210,889, G>A. VCF-style: chr16-1210889-G-A. GRCh37 (hg19) VCF-style: chr16-1260889-G-A.
Other names: c.4141G>A, p.Val1381Met (NM_001005407.2); short protein forms V1381M.
Identifiers: ClinVar variation 2162827 (VCV002162827.5), dbSNP rs372514242, ClinGen allele CA7801155.
Genomic context (GRCh38, chr16:1,210,889, plus strand): 5'-CAGAGCAGCTGGAACCTGCTGGATGGGCTGCTGGTGCTGGTGTCCCTGGTGGACATTGTC[G>A]TGGCCATGGCCTCGGCTGGTGGCGCCAAGATCCTGGGTGTTCTGCGCGTGCTGCGTCTGC-3'
Protein context (NP_066921.2, residues 1371-1391): LVLVSLVDIV[Val1381Met]AMASAGGAKI